The following is an entry in ClinVar:

ClinVar aggregate classification (germline): Uncertain significance. Review status: criteria provided, multiple submitters, no conflicts (2 of 4 stars). 2 submissions from 2 submitters: Uncertain significance (2). Last evaluated 2025-04-07.

Conditions:
Autosomal recessive limb-girdle muscular dystrophy type 2Y (MRRSDC). Also called: Muscular dystrophy, limb-girdle, type 2y; Muscular dystrophy, autosomal recessive, with rigid spine and distal joint contractures. Identifiers: Orphanet 424261, MedGen C4511482, MONDO:0014900, OMIM 617072.

Allele frequency attached by ClinVar (database versions not stated): gnomAD exomes 0.00001; gnomAD 0.00002; TOPMed 0.00002; ExAC 0.00003.

Submissions (2):

Labcorp Genetics (formerly Invitae), Labcorp
Classification: Uncertain significance for Autosomal recessive limb-girdle muscular dystrophy type 2Y. Last evaluated: 2025-04-07. Review status: criteria provided, single submitter. Criteria: Invitae Variant Classification Sherloc (09022015). Collection method: clinical testing. Allele origin: germline.
Comment: This sequence change falls in intron 6 of the TOR1AIP1 gene. It does not directly change the encoded amino acid sequence of the TOR1AIP1 protein. It affects a nucleotide within the consensus splice site. This variant is present in population databases (rs774612888, gnomAD 0.003%). This variant has not been reported in the literature in individuals affected with TOR1AIP1-related conditions. ClinVar contains an entry for this variant (Variation ID: 964930). Variants that disrupt the consensus splice site are a relatively common cause of aberrant splicing (PMID: 17576681, 9536098). Algorithms developed to predict the effect of sequence changes on RNA splicing suggest that this variant may disrupt the consensus splice site. In summary, the available evidence is currently insufficient to determine the role of this variant in disease. Therefore, it has been classified as a Variant of Uncertain Significance.

Blueprint Genetics
Classification: Uncertain significance. Last evaluated: 2024-11-11. Review status: criteria provided, single submitter. Criteria: ACMG Guidelines, 2015. Collection method: clinical testing. Allele origin: germline.

Literature cited by the submitters: PubMed 17576681 (cited by Labcorp Genetics (formerly Invitae), Labcorp); PubMed 9536098 (cited by Labcorp Genetics (formerly Invitae), Labcorp).

NM_015602.4(TOR1AIP1):c.796+5G>A

Gene: TOR1AIP1 (torsin 1A interacting protein 1; plus strand). Cytogenetic location: 1q25.2.
Variant type: single nucleotide variant.
Coding change: c.796+5G>A on transcript NM_015602.4 (MANE Select); 5 bases into the intron after coding-DNA position 796, G replaced by A.
Molecular consequence: intron variant.
Genome position (GRCh38, 1-based): chr1:179,904,027, G>A. VCF-style: chr1-179904027-G-A. GRCh37 (hg19) VCF-style: chr1-179873162-G-A.
Other names: c.799+5G>A (NM_001267578.2).
Identifiers: ClinVar variation 964930 (VCV000964930.7), dbSNP rs774612888, ClinGen allele CA1268947.